The following is an entry in ClinVar:

ClinVar aggregate classification (germline): Uncertain significance (1 of 4 stars; one submission).

gnomAD v4.1: 55 of 1,614,016 alleles (0.0034%); highest among the groups gnomAD compares: Non-Finnish European, 0.0043%; no homozygotes.

Submission:

Labcorp Genetics (formerly Invitae), Labcorp
Classification: Uncertain significance. Last evaluated: 2025-08-03. Review status: criteria provided, single submitter. Criteria: Invitae Variant Classification Sherloc (09022015). Collection method: clinical testing. Allele origin: germline.
Comment: This sequence change replaces valine, which is neutral and non-polar, with alanine, which is neutral and non-polar, at codon 131 of the POGLUT1 protein (p.Val131Ala). This variant is present in population databases (rs200892608, gnomAD 0.004%). This variant has not been reported in the literature in individuals affected with POGLUT1-related conditions. Invitae Evidence Modeling of protein sequence and biophysical properties (such as structural, functional, and spatial information, amino acid conservation, physicochemical variation, residue mobility, and thermodynamic stability) indicates that this missense variant is not expected to disrupt POGLUT1 protein function with a negative predictive value of 80%. In summary, the available evidence is currently insufficient to determine the role of this variant in disease. Therefore, it has been classified as a Variant of Uncertain Significance.

NM_152305.3(POGLUT1):c.392T>C (p.Val131Ala)

Gene: POGLUT1 (protein O-glucosyltransferase 1; plus strand). Cytogenetic location: 3q13.33.
Variant type: single nucleotide variant.
Coding change: c.392T>C on transcript NM_152305.3 (MANE Select); coding-DNA position 392, T replaced by C.
Protein change: p.Val131Ala; replaces valine 131 with alanine.
Molecular consequence: missense variant. On other transcripts: non-coding transcript variant (1).
Genome position (GRCh38, 1-based): chr3:119,477,384, T>C. VCF-style: chr3-119477384-T-C. GRCh37 (hg19) VCF-style: chr3-119196231-T-C.
Other names: short protein forms V131A.
Identifiers: ClinVar variation 4744274 (VCV004744274.1).